The following is an entry in ClinVar:

ClinVar aggregate classification (germline): Likely benign (0 of 4 stars; one submission).

Conditions:
CENPE-related disorder. Also called: CENPE-related condition.

Allele frequency attached by ClinVar (database versions not stated): gnomAD exomes 0.00005; 1000 Genomes Project 0.00020; ExAC 0.00021; 1000 Genomes Project 30x 0.00031; gnomAD 0.00052; TOPMed 0.00059; ESP Exome Variant Server 0.00092.

Submission:

PreventionGenetics, part of Exact Sciences
Classification: Likely benign for CENPE-related condition. Last evaluated: 2022-07-21. Review status: no assertion criteria provided. Collection method: clinical testing. Allele origin: germline.
Comment: This variant is classified as likely benign based on ACMG/AMP sequence variant interpretation guidelines (Richards et al. 2015 PMID: 25741868, with internal and published modifications).

NM_001813.3(CENPE):c.1811A>T (p.Glu604Val)

Gene: CENPE (centromere protein E; minus strand). Cytogenetic location: 4q24.
Variant type: single nucleotide variant.
Coding change: c.1811A>T on transcript NM_001813.3 (MANE Select); coding-DNA position 1811, A replaced by T.
Protein change: p.Glu604Val; replaces glutamic acid 604 with valine.
Molecular consequence: missense variant.
Genome position (GRCh38, 1-based): chr4:103,163,168, T>A on the plus strand (A>T on the coding strand, the complement: CENPE is on the minus strand). VCF-style: chr4-103163168-T-A. GRCh37 (hg19) VCF-style: chr4-104084325-T-A.
Other names: c.1736A>T, p.Glu579Val (NM_001286734.2); short protein forms E579V, E604V.
Identifiers: ClinVar variation 3051938 (VCV003051938.2), dbSNP rs139943753, ClinGen allele CA3030434.